The following is an entry in ClinVar:

ClinVar aggregate classification (germline): Uncertain significance (1 of 4 stars; one submission).

Submission:

GeneDx
Classification: Uncertain significance. Last evaluated: 2026-02-25. Review status: criteria provided, single submitter. Criteria: GeneDx Variant Classification Process June 2021. Collection method: clinical testing. Allele origin: germline.
Comment: Not observed at significant frequency in large population cohorts (gnomAD); In silico analysis supports that this missense variant has a deleterious effect on protein structure/function; Has not been previously published as pathogenic or benign to our knowledge

NM_000384.3(APOB):c.7091T>G (p.Leu2364Trp)

Gene: APOB (apolipoprotein B; minus strand). Cytogenetic location: 2p24.1.
Variant type: single nucleotide variant.
Coding change: c.7091T>G on transcript NM_000384.3 (MANE Select); coding-DNA position 7091, T replaced by G.
Protein change: p.Leu2364Trp; replaces leucine 2364 with tryptophan.
Molecular consequence: missense variant.
Genome position (GRCh38, 1-based): chr2:21,009,777, A>C on the plus strand (T>G on the coding strand, the complement: APOB is on the minus strand). VCF-style: chr2-21009777-A-C. GRCh37 (hg19) VCF-style: chr2-21232649-A-C.
Other names: short protein forms L2364W.
Identifiers: ClinVar variation 5008029 (VCV005008029.1).